The following is an entry in ClinVar:

NM_002945.5(RPA1):c.117G>A (p.Pro39=)

Gene: RPA1 (replication protein A1; plus strand). Cytogenetic location: 17p13.3.
Variant type: single nucleotide variant.
Coding change: c.117G>A on transcript NM_002945.5 (MANE Select); coding-DNA position 117, G replaced by A.
Protein change: p.Pro39=; no amino-acid change (proline 39 retained).
Molecular consequence: synonymous variant.
Genome position (GRCh38, 1-based): chr17:1,843,952, G>A. VCF-style: chr17-1843952-G-A. GRCh37 (hg19) VCF-style: chr17-1747246-G-A.
Other names: p.Pro39=; c.78G>A, p.Pro26= (NM_001355120.2); c.117G>A, p.Pro39= (NM_001355121.2).
Identifiers: ClinVar variation 718296 (VCV000718296.5), dbSNP rs17338586, ClinGen allele CA8275803.

ClinVar aggregate classification (germline): Benign. Review status: criteria provided, multiple submitters, no conflicts (2 of 4 stars). 3 submissions from 3 submitters: Benign (3). Last evaluated 2025-07-02.

Allele frequency attached by ClinVar (database versions not stated): 1000 Genomes Project 0.01098; ExAC 0.00358; TOPMed 0.01261; ESP Exome Variant Server 0.01384; gnomAD 0.01093; 1000 Genomes Project 30x 0.01156.
gnomAD v4.1: 3,315 of 1,613,806 alleles (0.21%); highest among the groups gnomAD compares: African/African-American, 3.8%; 65 homozygotes.

Submissions (3):

Mayo Clinic Laboratories, Mayo Clinic
Classification: Benign. Last evaluated: 2025-07-02. Review status: criteria provided, single submitter. Criteria: ACMG Guidelines, 2015. Collection method: clinical testing. Allele origin: germline. Observed: 2 variant alleles.
Comment: BA1, BP4, BP7

Labcorp Genetics (formerly Invitae), Labcorp
Classification: Benign. Last evaluated: 2018-06-05. Review status: criteria provided, single submitter. Criteria: Invitae Variant Classification Sherloc (09022015). Collection method: clinical testing. Allele origin: germline.

Breakthrough Genomics
Classification: Benign. Review status: criteria provided, single submitter. Criteria: ACMG Guidelines, 2015. Collection method: not provided. Allele origin: germline. Inheritance: Autosomal dominant inheritance. Affected: yes.